The following is an entry in ClinVar:

NM_002133.3(HMOX1):c.329C>T (p.Ala110Val)

Gene: HMOX1 (heme oxygenase 1; plus strand). Cytogenetic location: 22q12.3.
Variant type: single nucleotide variant.
Coding change: c.329C>T on transcript NM_002133.3 (MANE Select); coding-DNA position 329, C replaced by T.
Protein change: p.Ala110Val; replaces alanine 110 with valine.
Molecular consequence: missense variant.
Genome position (GRCh38, 1-based): chr22:35,386,869, C>T. VCF-style: chr22-35386869-C-T. GRCh37 (hg19) VCF-style: chr22-35782862-C-T.
Other names: c.329C>T (NM_002133.2); short protein forms A110V.
Identifiers: ClinVar variation 2390978 (VCV002390978.5), dbSNP rs763872699, ClinGen allele CA10204694.
Genomic context (GRCh38, chr22:35,386,869, plus strand): 5'-AGCAGGACCTGGCCTTCTGGTACGGGCCCCGCTGGCAGGAGGTCATCCCCTACACACCAG[C>T]CATGCAGCGCTATGTGAAGCGGCTCCACGAGGTGGGGCGCACAGAGCCCGAGCTGCTGGT-3'
Protein context (NP_002124.1, residues 100-120): RWQEVIPYTP[Ala110Val]MQRYVKRLHE

ClinVar aggregate classification (germline): Uncertain significance. Review status: criteria provided, multiple submitters, no conflicts (2 of 4 stars). 2 submissions from 2 submitters: Uncertain significance (2). Last evaluated 2022-08-05.

Allele frequency attached by ClinVar (database versions not stated): gnomAD 0.00001; gnomAD exomes 0.00001; TOPMed 0.00001; ExAC 0.00002.
gnomAD v4.1: 9 of 1,614,032 alleles (0.00056%); highest among the groups gnomAD compares: East Asian, 0.02%; no homozygotes.

Submissions (2):

Labcorp Genetics (formerly Invitae), Labcorp
Classification: Uncertain significance. Last evaluated: 2022-08-05. Review status: criteria provided, single submitter. Criteria: Invitae Variant Classification Sherloc (09022015). Collection method: clinical testing. Allele origin: germline.
Comment: This sequence change replaces alanine, which is neutral and non-polar, with valine, which is neutral and non-polar, at codon 110 of the HMOX1 protein (p.Ala110Val). This variant is present in population databases (rs763872699, gnomAD 0.06%). This variant has not been reported in the literature in individuals affected with HMOX1-related conditions. Algorithms developed to predict the effect of missense changes on protein structure and function are either unavailable or do not agree on the potential impact of this missense change (SIFT: "Deleterious"; PolyPhen-2: "Probably Damaging"; Align-GVGD: "Class C0"). In summary, the available evidence is currently insufficient to determine the role of this variant in disease. Therefore, it has been classified as a Variant of Uncertain Significance.

Ambry Genetics
Classification: Uncertain significance. Last evaluated: 2022-02-10. Review status: criteria provided, single submitter. Criteria: Ambry Variant Classification Scheme 2023. Collection method: clinical testing. Allele origin: germline.